The following is an entry in ClinVar:

NM_000179.3(MSH6):c.952G>T (p.Glu318Ter)

Gene: MSH6 (mutS homolog 6; plus strand). Cytogenetic location: 2p16.3.
Variant type: single nucleotide variant.
Coding change: c.952G>T on transcript NM_000179.3 (MANE Select); coding-DNA position 952, G replaced by T.
Protein change: p.Glu318Ter; replaces glutamic acid 318 with a stop codon.
Molecular consequence: nonsense.
Genome position (GRCh38, 1-based): chr2:47,798,935, G>T. VCF-style: chr2-47798935-G-T. GRCh37 (hg19) VCF-style: chr2-48026074-G-T.
Other names: c.562G>T, p.Glu188Ter (NM_001281492.2); c.46G>T, p.Glu16Ter (NM_001281493.2, NM_001281494.2); short protein forms E318*, E188*, E16*.
Identifiers: ClinVar variation 428391 (VCV000428391.11), dbSNP rs1114167763, ClinGen allele CA346740848.

ClinVar aggregate classification (germline): Pathogenic. Review status: criteria provided, multiple submitters, no conflicts (2 of 4 stars). 3 submissions from 3 submitters: Pathogenic (3). Last evaluated 2023-08-11.

Conditions:
Hereditary cancer-predisposing syndrome. Also called: Hereditary Cancer Syndrome; Neoplastic Syndromes, Hereditary; Hereditary neoplastic syndrome; Tumor predisposition. Identifiers: Orphanet 140162, MedGen C0027672, MeSH D009386, MONDO:0015356.
Lynch syndrome 5 (LYNCH5). Also called: Hereditary non-polyposis colorectal cancer, type 5; Colorectal cancer, hereditary nonpolyposis, type 5. Identifiers: Orphanet 144, MedGen C1833477, MONDO:0013710, OMIM 614350. Disease mechanism: loss of function.
Hereditary nonpolyposis colorectal neoplasms. Identifiers: MedGen C0009405, MeSH D003123.

gnomAD v4.1: 1 of 1,614,154 alleles (0.000062%); highest among the groups gnomAD compares: Non-Finnish European, 0.000085%; no homozygotes.

Submissions (3):

Myriad Genetics, Inc.
Classification: Pathogenic for Lynch syndrome 5. Last evaluated: 2023-08-11. Review status: criteria provided, single submitter. Criteria: Myriad Autosomal Dominant, Autosomal Recessive and X-Linked Classification Criteria (2023). Collection method: clinical testing. Allele origin: unknown.
Comment: This variant is considered pathogenic. This variant creates a termination codon and is predicted to result in premature protein truncation.

Labcorp Genetics (formerly Invitae), Labcorp
Classification: Pathogenic for Hereditary nonpolyposis colorectal neoplasms. Last evaluated: 2022-03-25. Review status: criteria provided, single submitter. Criteria: Invitae Variant Classification Sherloc (09022015). Collection method: clinical testing. Allele origin: germline.
Comment: For these reasons, this variant has been classified as Pathogenic. RNA analysis performed to evaluate the impact of this premature translational stop signal on mRNA splicing indicates it does not significantly alter splicing (Invitae). ClinVar contains an entry for this variant (Variation ID: 428391). This variant has not been reported in the literature in individuals affected with MSH6-related conditions. This variant is not present in population databases (gnomAD no frequency). This sequence change creates a premature translational stop signal (p.Glu318*) in the MSH6 gene. It is expected to result in an absent or disrupted protein product. Loss-of-function variants in MSH6 are known to be pathogenic (PMID: 18269114, 24362816).

Ambry Genetics
Classification: Pathogenic for Hereditary cancer-predisposing syndrome. Last evaluated: 2015-09-18. Review status: criteria provided, single submitter. Criteria: Ambry Autosomal Dominant and X-Linked criteria (10/2015). Collection method: clinical testing. Allele origin: germline. Observed: 1 variant allele.
Comment: The p.E318* pathogenic mutation (also known as c.952G>T), located in coding exon 4 of the MSH6 gene, results from a G to T substitution at nucleotide position 952. This changes the amino acid from a glutamic acid to a stop codon within coding exon 4. Since premature stop codons are typically deleterious in nature, this alteration is interpreted as a disease-causing mutation (ACMG Recommendations for Standards for Interpretation and Reporting of Sequence Variations. Revision 2007. Genet Med. 2008;10:294).

Literature cited by the submitters: PubMed 18269114 (cited by Labcorp Genetics (formerly Invitae), Labcorp); PubMed 24362816 (cited by Labcorp Genetics (formerly Invitae), Labcorp).